The following is an entry in ClinVar:

ClinVar aggregate classification (germline): Uncertain significance (1 of 4 stars; one submission).

Conditions:
Hyper-IgE recurrent infection syndrome 3, autosomal recessive. Also called: Autosomal recessive hyper-IgE syndrome due to ZNF341 deficiency; HYPER-IgE SYNDROME 3, AUTOSOMAL RECESSIVE, WITH RECURRENT INFECTIONS. Identifiers: Orphanet 641368, MedGen C4748969, MONDO:0032654, OMIM 618282.

Allele frequency attached by ClinVar (database versions not stated): gnomAD exomes below 0.00001 and 0.00003; gnomAD 0.00001; TOPMed 0.00001; ESP Exome Variant Server 0.00008.
gnomAD v4.1: 40 of 1,613,952 alleles (0.0025%); highest among the groups gnomAD compares: Non-Finnish European, 0.0033%; no homozygotes.

Submission:

Labcorp Genetics (formerly Invitae), Labcorp
Classification: Uncertain significance for Combined immunodeficiency due to DOCK8 deficiency. Last evaluated: 2024-01-25. Review status: criteria provided, single submitter. Criteria: Invitae Variant Classification Sherloc (09022015). Collection method: clinical testing. Allele origin: germline.
Comment: This sequence change replaces alanine, which is neutral and non-polar, with valine, which is neutral and non-polar, at codon 1053 of the DOCK8 protein (p.Ala1053Val). This variant is not present in population databases (gnomAD no frequency). This variant has not been reported in the literature in individuals affected with DOCK8-related conditions. ClinVar contains an entry for this variant (Variation ID: 661715). Advanced modeling of protein sequence and biophysical properties (such as structural, functional, and spatial information, amino acid conservation, physicochemical variation, residue mobility, and thermodynamic stability) performed at Invitae indicates that this missense variant is expected to disrupt DOCK8 protein function with a positive predictive value of 80%. In summary, the available evidence is currently insufficient to determine the role of this variant in disease. Therefore, it has been classified as a Variant of Uncertain Significance.

NM_203447.4(DOCK8):c.3158C>T (p.Ala1053Val)

Gene: DOCK8 (dedicator of cytokinesis 8; plus strand). Cytogenetic location: 9p24.3.
Variant type: single nucleotide variant.
Coding change: c.3158C>T on transcript NM_203447.4 (MANE Select); coding-DNA position 3158, C replaced by T.
Protein change: p.Ala1053Val; replaces alanine 1053 with valine.
Molecular consequence: missense variant.
Genome position (GRCh38, 1-based): chr9:399,183, C>T. VCF-style: chr9-399183-C-T. GRCh37 (hg19) VCF-style: chr9-399183-C-T.
Other names: c.2858C>T, p.Ala953Val (NM_001190458.2); c.2954C>T, p.Ala985Val (NM_001193536.2); short protein forms A953V, A1053V, A985V.
Identifiers: ClinVar variation 661715 (VCV000661715.7), dbSNP rs143877293, ClinGen allele CA187758591.
Genomic context (GRCh38, chr9:399,183, plus strand): 5'-TTGGGTGTTTGTTTGTTTTTAAGGAAAATGAACAGGCGGAAAAGATGAACATCAGCCTGG[C>T]TTTCTTCTTGTATGACCTTCTCTCCCTCATGGATCGGGGCTTTGTGTTTAACCTCATCAG-3'
Protein context (NP_982272.2, residues 1043-1063): EQAEKMNISL[Ala1053Val]FFLYDLLSLM